The following is an entry in ClinVar:

ClinVar aggregate classification (germline): Uncertain significance (1 of 4 stars; one submission).

Conditions:
Early Myoclonic Encephalopathy. Identifiers: MedGen C0270855.

Allele frequency attached by ClinVar (database versions not stated): gnomAD exomes below 0.00001.
gnomAD v4.1: 2 of 1,607,428 alleles (0.00012%); highest among the groups gnomAD compares: South Asian, 0.0022%; no homozygotes.

Submission:

Labcorp Genetics (formerly Invitae), Labcorp
Classification: Uncertain significance for Early Myoclonic Encephalopathy. Last evaluated: 2024-10-16. Review status: criteria provided, single submitter. Criteria: Invitae Variant Classification Sherloc (09022015). Collection method: clinical testing. Allele origin: germline.
Comment: This sequence change replaces serine, which is neutral and polar, with alanine, which is neutral and non-polar, at codon 2340 of the JMJD1C protein (p.Ser2340Ala). This variant is not present in population databases (gnomAD no frequency). This variant has not been reported in the literature in individuals affected with JMJD1C-related conditions. ClinVar contains an entry for this variant (Variation ID: 837813). Invitae Evidence Modeling of protein sequence and biophysical properties (such as structural, functional, and spatial information, amino acid conservation, physicochemical variation, residue mobility, and thermodynamic stability) indicates that this missense variant is not expected to disrupt JMJD1C protein function with a negative predictive value of 80%. In summary, the available evidence is currently insufficient to determine the role of this variant in disease. Therefore, it has been classified as a Variant of Uncertain Significance.

NM_032776.3(JMJD1C):c.7018T>G (p.Ser2340Ala)

Gene: JMJD1C (jumonji domain containing 1C; minus strand). Cytogenetic location: 10q21.3.
Variant type: single nucleotide variant.
Coding change: c.7018T>G on transcript NM_032776.3 (MANE Select); coding-DNA position 7018, T replaced by G.
Protein change: p.Ser2340Ala; replaces serine 2340 with alanine.
Molecular consequence: missense variant. On other transcripts: non-coding transcript variant (1).
Genome position (GRCh38, 1-based): chr10:63,183,513, A>C on the plus strand (T>G on the coding strand, the complement: JMJD1C is on the minus strand). VCF-style: chr10-63183513-A-C. GRCh37 (hg19) VCF-style: chr10-64943273-A-C.
Other names: c.6472T>G, p.Ser2158Ala (NM_001282948.2, NM_001318154.2); c.6154T>G, p.Ser2052Ala (NM_001318153.2); c.6904T>G, p.Ser2302Ala (NM_001322252.2); c.6361T>G, p.Ser2121Ala (NM_001322254.2, NM_001322258.2); short protein forms S2158A, S2340A, S2302A, S2052A, S2121A.
Identifiers: ClinVar variation 837813 (VCV000837813.9), dbSNP rs1843732518, ClinGen allele CA377020421.
Genomic context (GRCh38, chr10:63,183,513, plus strand): 5'-TTGAGAGAATGCCATTTCCTTTTGCTATGCCAACATAAACTAGTATATTTACAACATCAG[A>C]AACTTCAATATGGAGATTTGTTGTTCCTATATCATGATCTTTAGCAGCAACTACACCTGT-3'
Protein context (NP_116165.1, residues 2330-2350): IGTTNLHIEV[Ser2340Ala]DVVNILVYVG